The following is an entry in ClinVar:

ClinVar aggregate classification (germline): Likely benign. Review status: criteria provided, multiple submitters, no conflicts (2 of 4 stars). 3 submissions from 3 submitters: Likely benign (2). 1 of the submissions does not count toward it. Last evaluated 2026-01-05.

Conditions:
Rhabdoid tumor predisposition syndrome 2 (RTPS2). Identifiers: Orphanet 231108, Orphanet 69077, MedGen C2750074, MONDO:0013224, OMIM 613325.
Hereditary cancer-predisposing syndrome. Also called: Hereditary neoplastic syndrome; Tumor predisposition; Hereditary Cancer Syndrome; Neoplastic Syndromes, Hereditary. Identifiers: Orphanet 140162, MedGen C0027672, MeSH D009386, MONDO:0015356.
SMARCA4-related disorder. Also called: SMARCA4-related condition.

Allele frequency attached by ClinVar (database versions not stated): ExAC below 0.00001.
gnomAD v4.1: 4 of 1,613,704 alleles (0.00025%); highest among the groups gnomAD compares: East Asian, 0.0022%; no homozygotes.

Submissions (3):

Labcorp Genetics (formerly Invitae), Labcorp
Classification: Likely benign for Rhabdoid tumor predisposition syndrome 2. Last evaluated: 2026-01-05. Review status: criteria provided, single submitter. Criteria: Invitae Variant Classification Sherloc (09022015). Collection method: clinical testing. Allele origin: germline.

Ambry Genetics
Classification: Likely benign for Hereditary cancer-predisposing syndrome. Last evaluated: 2019-05-15. Review status: criteria provided, single submitter. Criteria: Ambry Variant Classification Scheme 2023. Collection method: clinical testing. Allele origin: germline.

PreventionGenetics, part of Exact Sciences
Classification: Likely benign for SMARCA4-related condition. Last evaluated: 2024-02-01. Review status: no assertion criteria provided. Collection method: clinical testing. Allele origin: germline. Not counted in ClinVar's aggregate classification.
Comment: This variant is classified as likely benign based on ACMG/AMP sequence variant interpretation guidelines (Richards et al. 2015 PMID: 25741868, with internal and published modifications).

NM_003072.5(SMARCA4):c.2769G>T (p.Ala923=)

Gene: SMARCA4 (SWI/SNF related BAF chromatin remodeling complex subunit ATPase 4; plus strand). Cytogenetic location: 19p13.2.
Variant type: single nucleotide variant.
Coding change: c.2769G>T on transcript NM_003072.5 (MANE Select); coding-DNA position 2769, G replaced by T.
Protein change: p.Ala923=; no amino-acid change (alanine 923 retained).
Molecular consequence: synonymous variant. On other transcripts: non-coding transcript variant (1).
Genome position (GRCh38, 1-based): chr19:11,021,877, G>T. VCF-style: chr19-11021877-G-T. GRCh37 (hg19) VCF-style: chr19-11132553-G-T.
Other names: c.2769G>T, p.Ala923= (NM_001128844.3, NM_001128845.2, NM_001128846.2 and 4 more transcripts).
Identifiers: ClinVar variation 729399 (VCV000729399.14), dbSNP rs771913411, ClinGen allele CA9204223.